The following is an entry in ClinVar:

ClinVar aggregate classification (germline): Uncertain significance. Review status: criteria provided, multiple submitters, no conflicts (2 of 4 stars). 2 submissions from 2 submitters: Uncertain significance (2). Last evaluated 2023-08-24.

Conditions:
Intellectual developmental disorder, autosomal dominant 1. Also called: MBD5 Haploinsufficiency; Intellectual disability, autosomal dominant 1. Identifiers: Orphanet 228402, MedGen C1969562, MONDO:0007974, OMIM 156200.
MBD5-related disorder. Also called: MBD5-related condition.

Allele frequency attached by ClinVar (database versions not stated): TOPMed below 0.00001.

Submissions (2):

Labcorp Genetics (formerly Invitae), Labcorp
Classification: Uncertain significance for Intellectual developmental disorder, autosomal dominant 1. Last evaluated: 2023-08-24. Review status: criteria provided, single submitter. Criteria: Invitae Variant Classification Sherloc (09022015). Collection method: clinical testing. Allele origin: germline.
Comment: In summary, the available evidence is currently insufficient to determine the role of this variant in disease. Therefore, it has been classified as a Variant of Uncertain Significance. Advanced modeling of protein sequence and biophysical properties (such as structural, functional, and spatial information, amino acid conservation, physicochemical variation, residue mobility, and thermodynamic stability) performed at Invitae indicates that this missense variant is not expected to disrupt MBD5 protein function. This variant has not been reported in the literature in individuals affected with MBD5-related conditions. This variant is not present in population databases (gnomAD no frequency). This sequence change replaces proline, which is neutral and non-polar, with leucine, which is neutral and non-polar, at codon 298 of the MBD5 protein (p.Pro298Leu).

PreventionGenetics, part of Exact Sciences
Classification: Uncertain significance for MBD5-related condition. Last evaluated: 2023-04-11. Review status: criteria provided, single submitter. Criteria: ACMG Guidelines, 2015. Collection method: clinical testing. Allele origin: germline.
Comment: The MBD5 c.893C>T variant is predicted to result in the amino acid substitution p.Pro298Leu. To our knowledge, this variant has not been reported in the literature or in a large population database, indicating this variant is rare. At this time, the clinical significance of this variant is uncertain due to the absence of conclusive functional and genetic evidence.

NM_001378120.1(MBD5):c.893C>T (p.Pro298Leu)

Gene: MBD5 (methyl-CpG binding domain protein 5; plus strand). Cytogenetic location: 2q23.1.
Variant type: single nucleotide variant.
Coding change: c.893C>T on transcript NM_001378120.1 (MANE Select); coding-DNA position 893, C replaced by T.
Protein change: p.Pro298Leu; replaces proline 298 with leucine.
Molecular consequence: missense variant.
Genome position (GRCh38, 1-based): chr2:148,468,836, C>T. VCF-style: chr2-148468836-C-T. GRCh37 (hg19) VCF-style: chr2-149226405-C-T.
Other names: c.893C>T, p.Pro298Leu (NM_018328.5); short protein forms P298L.
Identifiers: ClinVar variation 2633582 (VCV002633582.4), dbSNP rs1219450197, ClinGen allele CA348717940.